The following is an entry in ClinVar:

NM_000063.6(C2):c.1139A>G (p.Asn380Ser)

Genes: C2 (complement C2; plus strand), C2-AS1 (C2 antisense RNA 1; minus strand). Cytogenetic location: 6p21.33.
Variant type: single nucleotide variant.
Coding change: c.1139A>G on transcript NM_000063.6 (MANE Select); coding-DNA position 1139, A replaced by G.
Protein change: p.Asn380Ser; replaces asparagine 380 with serine.
Molecular consequence: missense variant.
Genome position (GRCh38, 1-based): chr6:31,939,240, A>G. VCF-style: chr6-31939240-A-G. GRCh37 (hg19) VCF-style: chr6-31907017-A-G.
Other names: c.743A>G, p.Asn248Ser (NM_001145903.3); c.497A>G, p.Asn166Ser (NM_001178063.3); c.401A>G, p.Asn134Ser (NM_001282457.2); c.1052A>G, p.Asn351Ser (NM_001282458.2); short protein forms N166S, N380S, N248S, N134S, N351S.
Identifiers: ClinVar variation 1937765 (VCV001937765.4), dbSNP rs763094375, ClinGen allele CA3727635.

ClinVar aggregate classification (germline): Uncertain significance (1 of 4 stars; one submission).

Allele frequency attached by ClinVar (database versions not stated): gnomAD exomes below 0.00001; TOPMed below 0.00001; gnomAD 0.00001; ExAC 0.00002.

Submission:

Labcorp Genetics (formerly Invitae), Labcorp
Classification: Uncertain significance. Last evaluated: 2022-06-19. Review status: criteria provided, single submitter. Criteria: Invitae Variant Classification Sherloc (09022015). Collection method: clinical testing. Allele origin: germline.
Comment: This sequence change replaces asparagine, which is neutral and polar, with serine, which is neutral and polar, at codon 380 of the C2 protein (p.Asn380Ser). This variant is present in population databases (rs763094375, gnomAD 0.002%). This variant has not been reported in the literature in individuals affected with C2-related conditions. Algorithms developed to predict the effect of missense changes on protein structure and function (SIFT, PolyPhen-2, Align-GVGD) all suggest that this variant is likely to be disruptive. In summary, the available evidence is currently insufficient to determine the role of this variant in disease. Therefore, it has been classified as a Variant of Uncertain Significance.